The following is an entry in ClinVar:

NM_001297.5(CNGB1):c.1024A>G (p.Lys342Glu)

Gene: CNGB1 (cyclic nucleotide gated channel subunit beta 1; minus strand). Cytogenetic location: 16q21.
Variant type: single nucleotide variant.
Coding change: c.1024A>G on transcript NM_001297.5 (MANE Select); coding-DNA position 1024, A replaced by G.
Protein change: p.Lys342Glu; replaces lysine 342 with glutamic acid.
Molecular consequence: missense variant.
Genome position (GRCh38, 1-based): chr16:57,950,391, T>C on the plus strand (A>G on the coding strand, the complement: CNGB1 is on the minus strand). VCF-style: chr16-57950391-T-C. GRCh37 (hg19) VCF-style: chr16-57984295-T-C.
Other names: c.1006A>G, p.Lys336Glu (NM_001286130.2); short protein forms K336E, K342E.
Identifiers: ClinVar variation 833526 (VCV000833526.17), dbSNP rs201203400, ClinGen allele CA8083601.

ClinVar aggregate classification (germline): Conflicting classifications of pathogenicity. Review status: criteria provided, conflicting classifications (1 of 4 stars). 5 submissions from 5 submitters: Uncertain significance (2); Likely benign (3). Last evaluated 2026-09-14.

Conditions:
CNGB1-related disorder. Also called: CNGB1-related condition.
Inborn genetic diseases. Identifiers: MedGen C0950123, MeSH D030342.
Retinitis pigmentosa (RP). Identifiers: Orphanet 791, MedGen C0035334, MeSH D012174, MONDO:0019200, OMIM 268000. Inheritance: Autosomal dominant, autosomal recessive and X linked inheritance.

Allele frequency attached by ClinVar (database versions not stated): gnomAD exomes 0.00028 and 0.00069; ExAC 0.00030; TOPMed 0.00035; gnomAD 0.00039 and 0.00043; ESP Exome Variant Server 0.00041.
gnomAD v4.1: 1,039 of 1,614,088 alleles (0.064%); highest among the groups gnomAD compares: Non-Finnish European, 0.085%; 2 homozygotes.

Submissions (5):

PreventionGenetics, part of Exact Sciences
Classification: Uncertain significance for CNGB1-related condition. Last evaluated: 2026-09-14. Review status: criteria provided, single submitter. Criteria: ACMG Guidelines, 2015. Collection method: clinical testing. Allele origin: germline.
Comment: The CNGB1 c.1024A>G variant is predicted to result in the amino acid substitution p.Lys342Glu. To our knowledge, this variant has not been reported in the literature. This variant is reported in 0.059% of alleles in individuals of European (Non-Finnish) descent in gnomAD, which may be too frequent to be a primary cause of disease. Although we suspect that this variant may be benign, at this time, the clinical significance of this variant is uncertain due to the absence of conclusive functional and genetic evidence.

Labcorp Genetics (formerly Invitae), Labcorp
Classification: Likely benign. Last evaluated: 2026-01-19. Review status: criteria provided, single submitter. Criteria: Invitae Variant Classification Sherloc (09022015). Collection method: clinical testing. Allele origin: germline.

Blueprint Genetics
Classification: Likely benign. Last evaluated: 2024-10-10. Review status: criteria provided, single submitter. Criteria: ACMG Guidelines, 2015. Collection method: clinical testing. Allele origin: germline.

Ambry Genetics
Classification: Likely benign for Inborn genetic diseases. Last evaluated: 2021-09-17. Review status: criteria provided, single submitter. Criteria: Ambry Variant Classification Scheme 2023. Collection method: clinical testing. Allele origin: germline.

Illumina Laboratory Services, Illumina
Classification: Uncertain significance for Retinitis pigmentosa. Last evaluated: 2017-04-27. Review status: criteria provided, single submitter. Criteria: ICSL Variant Classification Criteria 13 December 2019. Collection method: clinical testing. Allele origin: germline.